The following is an entry in ClinVar:

NM_015425.6(POLR1A):c.5056A>G (p.Met1686Val)

Gene: POLR1A (RNA polymerase I subunit A; minus strand). Cytogenetic location: 2p11.2.
Variant type: single nucleotide variant.
Coding change: c.5056A>G on transcript NM_015425.6 (MANE Select); coding-DNA position 5056, A replaced by G.
Protein change: p.Met1686Val; replaces methionine 1686 with valine.
Molecular consequence: missense variant.
Genome position (GRCh38, 1-based): chr2:86,027,891, T>C on the plus strand (A>G on the coding strand, the complement: POLR1A is on the minus strand). VCF-style: chr2-86027891-T-C. GRCh37 (hg19) VCF-style: chr2-86255014-T-C.
Other names: short protein forms M1686V.
Identifiers: ClinVar variation 3631176 (VCV003631176.2).

ClinVar aggregate classification (germline): Uncertain significance (1 of 4 stars; one submission).

Submission:

Labcorp Genetics (formerly Invitae), Labcorp
Classification: Uncertain significance. Last evaluated: 2024-07-30. Review status: criteria provided, single submitter. Criteria: Invitae Variant Classification Sherloc (09022015). Collection method: clinical testing. Allele origin: germline.
Comment: This sequence change replaces methionine, which is neutral and non-polar, with valine, which is neutral and non-polar, at codon 1686 of the POLR1A protein (p.Met1686Val). This variant is present in population databases (rs754661637, gnomAD 0.002%). This variant has not been reported in the literature in individuals affected with POLR1A-related conditions. Advanced modeling of protein sequence and biophysical properties (such as structural, functional, and spatial information, amino acid conservation, physicochemical variation, residue mobility, and thermodynamic stability) performed at Invitae indicates that this missense variant is not expected to disrupt POLR1A protein function with a negative predictive value of 80%. In summary, the available evidence is currently insufficient to determine the role of this variant in disease. Therefore, it has been classified as a Variant of Uncertain Significance.